The following is an entry in ClinVar:

ClinVar aggregate classification (germline): Likely benign. Review status: criteria provided, single submitter (1 of 4 stars). 2 submissions from 2 submitters: Likely benign (1). 1 of the submissions does not count toward it. Last evaluated 2026-01-24.

Conditions:
DCAF17-related disorder. Also called: DCAF17-related condition.
Woodhouse-Sakati syndrome. Also called: Hypogonadism, Alopecia, Diabetes Mellitus, Mental Retardation, and Extrapyramidal Syndrome; Hypogonadism, diabetes mellitus, alopecia, mental retardation and electrocardiographic abnormalities; EXTRAPYRAMIDAL DISORDER, PROGRESSIVE, WITH PRIMARY HYPOGONADISM, MENTAL RETARDATION, AND ALOPECIA. Identifiers: Orphanet 3464, MedGen C0342286, MONDO:0009419, OMIM 241080.

Allele frequency attached by ClinVar (database versions not stated): TOPMed 0.00001; ExAC 0.00002; gnomAD exomes 0.00006.
gnomAD v4.1: 83 of 1,613,366 alleles (0.0051%); highest among the groups gnomAD compares: Non-Finnish European, 0.0066%; no homozygotes.

Submissions (2):

Labcorp Genetics (formerly Invitae), Labcorp
Classification: Likely benign for Woodhouse-Sakati syndrome. Last evaluated: 2026-01-24. Review status: criteria provided, single submitter. Criteria: Invitae Variant Classification Sherloc (09022015). Collection method: clinical testing. Allele origin: germline.

PreventionGenetics, part of Exact Sciences
Classification: Likely benign for DCAF17-related condition. Last evaluated: 2019-05-28. Review status: no assertion criteria provided. Collection method: clinical testing. Allele origin: germline. Not counted in ClinVar's aggregate classification.
Comment: This variant is classified as likely benign based on ACMG/AMP sequence variant interpretation guidelines (Richards et al. 2015 PMID: 25741868, with internal and published modifications).

NM_025000.4(DCAF17):c.723C>T (p.Ile241=)

Gene: DCAF17 (DDB1 and CUL4 associated factor 17; plus strand). Cytogenetic location: 2q31.1.
Variant type: single nucleotide variant.
Coding change: c.723C>T on transcript NM_025000.4 (MANE Select); coding-DNA position 723, C replaced by T.
Protein change: p.Ile241=; no amino-acid change (isoleucine 241 retained).
Molecular consequence: synonymous variant. On other transcripts: non-coding transcript variant (1).
Genome position (GRCh38, 1-based): chr2:171,458,066, C>T. VCF-style: chr2-171458066-C-T. GRCh37 (hg19) VCF-style: chr2-172314576-C-T.
Other names: c.723C>T (NM_025000.3); c.723C>T, p.Ile241= (NM_001164821.2).
Identifiers: ClinVar variation 2912860 (VCV002912860.5), dbSNP rs746865242, ClinGen allele CA1964760.